The following is an entry in ClinVar:

NM_001111.5(ADAR):c.2140A>G (p.Arg714Gly)

Gene: ADAR (adenosine deaminase RNA specific; minus strand). Cytogenetic location: 1q21.3.
Variant type: single nucleotide variant.
Coding change: c.2140A>G on transcript NM_001111.5 (MANE Select); coding-DNA position 2140, A replaced by G.
Protein change: p.Arg714Gly; replaces arginine 714 with glycine.
Molecular consequence: missense variant.
Genome position (GRCh38, 1-based): chr1:154,596,935, T>C on the plus strand (A>G on the coding strand, the complement: ADAR is on the minus strand). VCF-style: chr1-154596935-T-C. GRCh37 (hg19) VCF-style: chr1-154569411-T-C.
Other names: c.1255A>G, p.Arg419Gly (NM_001025107.3, NM_001193495.2, NM_001365046.1 and 3 more transcripts); c.2167A>G, p.Arg723Gly (NM_001365045.1); c.2140A>G, p.Arg714Gly (NM_015840.4); c.2083A>G, p.Arg695Gly (NM_015841.4); short protein forms R714G, R723G, R419G, R695G.
Identifiers: ClinVar variation 1411813 (VCV001411813.8), dbSNP rs1697539238, ClinGen allele CA342637925.

ClinVar aggregate classification (germline): Uncertain significance (1 of 4 stars; one submission).

Conditions:
Aicardi-Goutieres syndrome 6 (AGS6). Identifiers: Orphanet 51, MedGen C3539013, MONDO:0014007, OMIM 615010.
Symmetrical dyschromatosis of extremities (DSH). Also called: RETICULATE ACROPIGMENTATION OF DOHI; Dyschromatosis symmetrica hereditaria; DYSCHROMATOSIS SYMMETRICA HEREDITARIA 1; SYMMETRIC DYSCHROMATOSIS OF THE EXTREMITIES. Identifiers: Orphanet 41, MedGen C0406775, MONDO:0007483, OMIM 127400.

Allele frequency attached by ClinVar (database versions not stated): gnomAD exomes below 0.00001; TOPMed below 0.00001; gnomAD 0.00001.
gnomAD v4.1: 2 of 1,614,086 alleles (0.00012%); highest among the groups gnomAD compares: Non-Finnish European, 0.00017%; no homozygotes.

Submission:

Labcorp Genetics (formerly Invitae), Labcorp
Classification: Uncertain significance for Aicardi-Goutieres syndrome 6; Symmetrical dyschromatosis of extremities. Last evaluated: 2024-10-15. Review status: criteria provided, single submitter. Criteria: Invitae Variant Classification Sherloc (09022015). Collection method: clinical testing. Allele origin: germline.
Comment: This sequence change replaces arginine, which is basic and polar, with glycine, which is neutral and non-polar, at codon 714 of the ADAR protein (p.Arg714Gly). This variant is not present in population databases (gnomAD no frequency). This variant has not been reported in the literature in individuals affected with ADAR-related conditions. ClinVar contains an entry for this variant (Variation ID: 1411813). Invitae Evidence Modeling of protein sequence and biophysical properties (such as structural, functional, and spatial information, amino acid conservation, physicochemical variation, residue mobility, and thermodynamic stability) indicates that this missense variant is not expected to disrupt ADAR protein function with a negative predictive value of 80%. In summary, the available evidence is currently insufficient to determine the role of this variant in disease. Therefore, it has been classified as a Variant of Uncertain Significance.